The following is an entry in ClinVar:

NM_052947.4(ALPK2):c.3844G>C (p.Asp1282His)

Genes: ALPK2 (alpha kinase 2; minus strand), LOC126862764 (BRD4-independent group 4 enhancer GRCh37_chr18:56202574-56203773; plus strand). Cytogenetic location: 18q21.31.
Variant type: single nucleotide variant.
Coding change: c.3844G>C on transcript NM_052947.4 (MANE Select); coding-DNA position 3844, G replaced by C.
Protein change: p.Asp1282His; replaces aspartic acid 1282 with histidine.
Molecular consequence: missense variant.
Genome position (GRCh38, 1-based): chr18:58,536,343, C>G on the plus strand (G>C on the coding strand, the complement: ALPK2 is on the minus strand). VCF-style: chr18-58536343-C-G. GRCh37 (hg19) VCF-style: chr18-56203575-C-G.
Other names: short protein forms D1282H.
Identifiers: ClinVar variation 1735455 (VCV001735455.3), dbSNP rs1602206438, ClinGen allele CA402565381.

ClinVar aggregate classification (germline): Uncertain significance (1 of 4 stars; one submission).

Submission:

Ambry Genetics
Classification: Uncertain significance. Last evaluated: 2024-09-08. Review status: criteria provided, single submitter. Criteria: Ambry Variant Classification Scheme 2023. Collection method: clinical testing. Allele origin: germline.
Comment: The p.D1282H variant (also known as c.3844G>C), located in coding exon 4 of the ALPK2 gene, results from a G to C substitution at nucleotide position 3844. The aspartic acid at codon 1282 is replaced by histidine, an amino acid with similar properties. This amino acid position is conserved. In addition, this alteration is predicted to be tolerated by in silico analysis. Since supporting evidence is limited at this time, the clinical significance of this alteration remains unclear.